The following is an entry in ClinVar:

NM_001242882.2(NAXD):c.840-130A>T

Gene: NAXD (NAD(P)HX dehydratase; plus strand). Cytogenetic location: 13q34.
Variant type: single nucleotide variant.
Coding change: c.840-130A>T on transcript NM_001242882.2 (MANE Select); 130 bases into the intron before coding-DNA position 840, A replaced by T.
Molecular consequence: intron variant. On other transcripts: synonymous variant (1).
Genome position (GRCh38, 1-based): chr13:110,638,248, A>T. VCF-style: chr13-110638248-A-T. GRCh37 (hg19) VCF-style: chr13-111290595-A-T.
Other names: c.900A>T, p.Ile300= (NM_018210.4); c.564-130A>T (NM_001242883.2); c.894-130A>T (NM_001242881.2).
Identifiers: ClinVar variation 2643957 (VCV002643957.24), dbSNP rs756802955, ClinGen allele CA7051406.

ClinVar aggregate classification (germline): Likely benign (1 of 4 stars; one submission).

Allele frequency attached by ClinVar (database versions not stated): ExAC 0.00001; gnomAD 0.00001.
gnomAD v4.1: 7 of 1,568,636 alleles (0.00045%); highest among the groups gnomAD compares: Admixed American, 0.0019%; no homozygotes.

Submission:

CeGaT Center for Human Genetics Tuebingen
Classification: Likely benign. Last evaluated: 2023-08-01. Review status: criteria provided, single submitter. Criteria: CeGaT Center For Human Genetics Tuebingen Variant Classification Criteria Version 2. Collection method: clinical testing. Allele origin: germline. Affected: yes. Observed: 1 variant allele.
Comment: NAXD: BP4, BP7